The following is an entry in ClinVar:

NM_000091.5(COL4A3):c.3109C>T (p.Arg1037Ter)

Genes: MFF-DT (MFF divergent transcript; minus strand), COL4A3 (collagen type IV alpha 3 chain; plus strand). Cytogenetic location: 2q36.3.
Variant type: single nucleotide variant.
Coding change: c.3109C>T on transcript NM_000091.5 (MANE Select); coding-DNA position 3109, C replaced by T.
Protein change: p.Arg1037Ter; replaces arginine 1037 with a stop codon.
Molecular consequence: nonsense.
Genome position (GRCh38, 1-based): chr2:227,290,785, C>T. VCF-style: chr2-227290785-C-T. GRCh37 (hg19) VCF-style: chr2-228155501-C-T.
Other names: short protein forms R1037*.
Identifiers: ClinVar variation 554110 (VCV000554110.16), dbSNP rs766900945, ClinGen allele CA2147115.
Genomic context (GRCh38, chr2:227,290,785, plus strand): 5'-TATGTTTTCCCCCTAATTTCAGGTTCTAAAGGAAAAAGGGGAACTTTGGGATTCCCAGGT[C>T]GAGCAGGAAGACCAGGCCTCCCAGGTATTCATGGTCTCCAGGGAGATAAGGGAGAGCCAG-3'

ClinVar aggregate classification (germline): Pathogenic. Review status: criteria provided, multiple submitters, no conflicts (2 of 4 stars). 8 submissions from 8 submitters: Pathogenic (6). 2 of the submissions do not count toward it. Last evaluated 2026-01-16.

Conditions:
Alport syndrome. Also called: Hemorrhagic familial nephritis; Hemorrhagic hereditary nephritis; Congenital hereditary hematuria. Identifiers: Orphanet 63, MedGen C1567741, MONDO:0018965.
Autosomal dominant Alport syndrome (ATS3A). Also called: ALPORT SYNDROME 3A, AUTOSOMAL DOMINANT; Alport syndrome dominant type; Renal failure and sensorineural hearing loss. Identifiers: Orphanet 63, Orphanet 88918, MedGen C5882663, MONDO:0007086, OMIM 104200.
Autosomal recessive Alport syndrome (ATS2). Also called: COL4A3-Related Nephropathy; COL4A4 Alport Syndrome and Thin Basement Membrane Nephropathy; ALPORT SYNDROME 2, AUTOSOMAL RECESSIVE; Alport syndrome type 2. Identifiers: Orphanet 63, Orphanet 88919, MedGen C4746745, MONDO:0008762, OMIM 203780.

Allele frequency attached by ClinVar (database versions not stated): gnomAD exomes below 0.00001; gnomAD 0.00001; TOPMed below 0.00001.
gnomAD v4.1: 7 of 1,613,320 alleles (0.00043%); highest among the groups gnomAD compares: South Asian, 0.0011%; no homozygotes.

Submissions (8):

Labcorp Genetics (formerly Invitae), Labcorp
Classification: Pathogenic. Last evaluated: 2026-01-16. Review status: criteria provided, single submitter. Criteria: Invitae Variant Classification Sherloc (09022015). Collection method: clinical testing. Allele origin: germline.
Comment: This sequence change creates a premature translational stop signal (p.Arg1037*) in the COL4A3 gene. It is expected to result in an absent or disrupted protein product. Loss-of-function variants in COL4A3 are known to be pathogenic (PMID: 8956999, 24854265, 26809805, 27281700). This variant is present in population databases (rs766900945, gnomAD 0.003%). This premature translational stop signal has been observed in individual(s) with clinical features of autosomal dominant and recessive Alport syndrome (PMID: 12028435). ClinVar contains an entry for this variant (Variation ID: 554110). For these reasons, this variant has been classified as Pathogenic.

Variantyx, Inc.
Classification: Pathogenic for Autosomal dominant Alport syndrome. Last evaluated: 2025-12-11. Review status: criteria provided, single submitter. Criteria: Variantyx Assertion Criteria 2022. Collection method: clinical testing. Allele origin: germline. Inheritance: Autosomal dominant inheritance. Affected: yes.
Comment: This is a nonsense variant in the COL4A3 gene (OMIM: 120070). Pathogenic variants in this gene have been associated with autosomal dominant Alport spectrum. This variant introduces a premature termination codon in exon 37 out of 52 and is expected to result in loss of function, which is a known disease mechanism for COL4A3 in this disorder (PMID: 8956999, 24854265, 26809805, 27281700) (PVS1). It has been identified in the homozygous or compound heterozygous state in at least 3 individuals reported in the published literature (PMID: 36117978, 31328266, 12028435) (PM3), and it has a 0.0011% maximum allele frequency in non-founder control populations (PM2). Based on the current evidence, this variant is classified as pathogenic for autosomal dominant Alport spectrum.

Natera, Inc.
Classification: Pathogenic for Alport syndrome. Last evaluated: 2025-02-07. Review status: criteria provided, single submitter. Criteria: Natera Variant Classification Schema (03/2026). Collection method: clinical testing. Allele origin: germline.
Comment: The c.3109C>T variant in COL4A3 is a nonsense variant predicted to introduce a stop codon at amino acid 1037. This variant is expected to result in nonsense mediated decay, truncation, or a dysfunctional protein product. This variant is rare in the general population with a frequency below the threshold expected for the associated phenotype(s). This variant has been observed in one or more individuals affected with the associated recessive disease, as either homozygous or compound heterozygous with a second variant (PMID: 24854265). Given the available evidence, this variant is classified as Pathogenic.

GeneDx
Classification: Pathogenic. Last evaluated: 2024-01-10. Review status: criteria provided, single submitter. Criteria: GeneDx Variant Classification Process June 2021. Collection method: clinical testing. Allele origin: germline. Affected: yes.
Comment: Nonsense variant predicted to result in protein truncation or nonsense mediated decay in a gene for which loss of function is a known mechanism of disease; Not observed at significant frequency in large population cohorts (gnomAD); This variant is associated with the following publications: (PMID: 32359821, 12028435, 24854265, 31328266)

Women's Health and Genetics/Laboratory Corporation of America, LabCorp
Classification: Pathogenic for Autosomal recessive Alport syndrome. Last evaluated: 2022-03-10. Review status: criteria provided, single submitter. Criteria: LabCorp Variant Classification Summary - May 2015. Collection method: clinical testing. Allele origin: germline.
Comment: Variant summary: COL4A3 c.3109C>T (p.Arg1037X) results in a premature termination codon, predicted to cause a truncation of the encoded protein or absence of the protein due to nonsense mediated decay, which are commonly known mechanisms for disease. Truncations downstream of this position have been classified as pathogenic by our laboratory. The variant allele was found at a frequency of 8e-06 in 249484 control chromosomes. c.3109C>T has been reported in the literature as a compound heterozygous genotype in individuals affected with Alport Syndrome, Autosomal Recessive (example, Longo_2002, Moriniere_2014). Three clinical diagnostic laboratories have submitted clinical-significance assessments for this variant to ClinVar after 2014 without evidence for independent evaluation. All laboratories classified the variant as pathogenic. Based on the evidence outlined above, the variant was classified as pathogenic.

Institute of Human Genetics Munich, TUM University Hospital
Classification: Pathogenic for Autosomal recessive Alport syndrome. Last evaluated: 2019-06-07. Review status: criteria provided, single submitter. Criteria: Classification criteria August 2017. Collection method: clinical testing. Allele origin: paternal. Inheritance: Autosomal recessive inheritance. Affected: yes. Observed: 1 compound heterozygote.

Bioscientia Institut fuer Medizinische Diagnostik GmbH, Sonic Healthcare
Classification: Pathogenic for Autosomal dominant Alport syndrome. Last evaluated: 2018-06-14. Review status: no assertion criteria provided. Collection method: clinical testing. Allele origin: germline. Affected: yes. Not counted in ClinVar's aggregate classification.

Counsyl
Classification: Pathogenic for Autosomal recessive Alport syndrome. Last evaluated: 2017-09-26. Review status: no assertion criteria provided. Collection method: clinical testing. Allele origin: unknown. Not counted in ClinVar's aggregate classification.

Literature cited by the submitters: PubMed 8956999 (cited by Labcorp Genetics (formerly Invitae), Labcorp and Variantyx, Inc.); PubMed 24854265 (cited by 5 submitters); PubMed 26809805 (cited by Labcorp Genetics (formerly Invitae), Labcorp and Variantyx, Inc.); PubMed 27281700 (cited by Labcorp Genetics (formerly Invitae), Labcorp and Variantyx, Inc.); PubMed 12028435 (cited by 4 submitters); PubMed 36117978 (cited by Variantyx, Inc.); PubMed 31328266 (cited by Variantyx, Inc.).